The following is an entry in ClinVar:

ClinVar aggregate classification (germline): Uncertain significance. Review status: criteria provided, multiple submitters, no conflicts (2 of 4 stars). 3 submissions from 3 submitters: Uncertain significance (3). Last evaluated 2025-03-20.

Conditions:
Inborn genetic diseases. Identifiers: MedGen C0950123, MeSH D030342.

Allele frequency attached by ClinVar (database versions not stated): ExAC 0.00001; gnomAD exomes 0.00001; TOPMed 0.00001; gnomAD 0.00004.
gnomAD v4.1: 21 of 1,612,618 alleles (0.0013%); highest among the groups gnomAD compares: Non-Finnish European, 0.0018%; no homozygotes.

Submissions (3):

Ambry Genetics
Classification: Uncertain significance for Inborn genetic diseases. Last evaluated: 2025-03-20. Review status: criteria provided, single submitter. Criteria: Ambry Variant Classification Scheme 2023. Collection method: clinical testing. Allele origin: germline.

Mayo Clinic Laboratories, Mayo Clinic
Classification: Uncertain significance. Last evaluated: 2024-01-09. Review status: criteria provided, single submitter. Criteria: ACMG Guidelines, 2015. Collection method: clinical testing. Allele origin: germline. Observed: 1 variant allele.
Comment: BP4, PM2_moderate

Labcorp Genetics (formerly Invitae), Labcorp
Classification: Uncertain significance. Last evaluated: 2022-02-24. Review status: criteria provided, single submitter. Criteria: Invitae Variant Classification Sherloc (09022015). Collection method: clinical testing. Allele origin: germline.
Comment: This sequence change replaces leucine, which is neutral and non-polar, with histidine, which is basic and polar, at codon 20 of the COX15 protein (p.Leu20His). This variant is present in population databases (rs777140358, gnomAD 0.002%). This variant has not been reported in the literature in individuals affected with COX15-related conditions. Algorithms developed to predict the effect of missense changes on protein structure and function are either unavailable or do not agree on the potential impact of this missense change (SIFT: "Not Available"; PolyPhen-2: "Possibly Damaging"; Align-GVGD: "Not Available"). In summary, the available evidence is currently insufficient to determine the role of this variant in disease. Therefore, it has been classified as a Variant of Uncertain Significance.

NM_078470.6(COX15):c.59T>A (p.Leu20His)

Genes: COX15 (cytochrome c oxidase assembly factor COX15; minus strand), LOC130004506 (ATAC-STARR-seq lymphoblastoid active region 3872; plus strand). Cytogenetic location: 10q24.2.
Variant type: single nucleotide variant.
Coding change: c.59T>A on transcript NM_078470.6 (MANE Select); coding-DNA position 59, T replaced by A.
Protein change: p.Leu20His; replaces leucine 20 with histidine.
Molecular consequence: missense variant. On other transcripts: 5 prime UTR variant (1), non-coding transcript variant (1).
Genome position (GRCh38, 1-based): chr10:99,731,991, A>T on the plus strand (T>A on the coding strand, the complement: COX15 is on the minus strand). VCF-style: chr10-99731991-A-T. GRCh37 (hg19) VCF-style: chr10-101491748-A-T.
Other names: p.Leu20His; c.59T>A, p.Leu20His (NM_001320974.2, NM_001320975.2, NM_001372024.1 and 5 more transcripts); c.-396T>A (NM_001320976.2); short protein forms L20H.
Identifiers: ClinVar variation 2161623 (VCV002161623.3), dbSNP rs777140358, ClinGen allele CA5642385.